The following is an entry in ClinVar:

NM_177438.3(DICER1):c.3552C>T (p.Leu1184=)

Gene: DICER1 (dicer 1, ribonuclease III; minus strand). Cytogenetic location: 14q32.13.
Variant type: single nucleotide variant.
Coding change: c.3552C>T on transcript NM_177438.3 (MANE Select); coding-DNA position 3552, C replaced by T.
Protein change: p.Leu1184=; no amino-acid change (leucine 1184 retained).
Molecular consequence: synonymous variant.
Genome position (GRCh38, 1-based): chr14:95,103,844, G>A on the plus strand (C>T on the coding strand, the complement: DICER1 is on the minus strand). VCF-style: chr14-95103844-G-A. GRCh37 (hg19) VCF-style: chr14-95570181-G-A.
Other names: c.3552C>T, p.Leu1184= (NM_001195573.1, NM_001271282.3, NM_001291628.2 and 1 more transcripts).
Identifiers: ClinVar variation 724526 (VCV000724526.17), dbSNP rs375535900, ClinGen allele CA7331027.

ClinVar aggregate classification (germline): Benign/Likely benign. Review status: criteria provided, multiple submitters, no conflicts (2 of 4 stars). 4 submissions from 4 submitters: Benign (1); Likely benign (3). Last evaluated 2026-08-19.

Conditions:
DICER1-related tumor predisposition. Also called: DICER1 syndrome; DICER1-related pleuropulmonary blastoma cancer predisposition syndrome. Identifiers: Orphanet 284343, MedGen C3839822, MONDO:0100216.
Hereditary cancer-predisposing syndrome. Also called: Hereditary neoplastic syndrome; Neoplastic Syndromes, Hereditary; Tumor predisposition; Hereditary Cancer Syndrome. Identifiers: Orphanet 140162, MedGen C0027672, MeSH D009386, MONDO:0015356.

Allele frequency attached by ClinVar (database versions not stated): gnomAD exomes 0.00001 and below 0.00001; gnomAD 0.00001; ESP Exome Variant Server 0.00008; TOPMed below 0.00001; ExAC 0.00001.
gnomAD v4.1: 22 of 1,614,006 alleles (0.0014%); highest among the groups gnomAD compares: Non-Finnish European, 0.0017%; no homozygotes.

Submissions (4):

Myriad Genetics, Inc.
Classification: Benign for DICER1-related tumor predisposition. Last evaluated: 2026-08-19. Review status: criteria provided, single submitter. Criteria: Myriad Autosomal Dominant, Autosomal Recessive and X-Linked Classification Criteria (2023). Collection method: clinical testing. Allele origin: unknown.
Comment: This variant is considered benign. This variant is a silent/synonymous amino acid change and it is not expected to impact splicing.

Labcorp Genetics (formerly Invitae), Labcorp
Classification: Likely benign for DICER1-related tumor predisposition. Last evaluated: 2025-01-29. Review status: criteria provided, single submitter. Criteria: Invitae Variant Classification Sherloc (09022015). Collection method: clinical testing. Allele origin: germline.

Sema4
Classification: Likely benign for Hereditary cancer-predisposing syndrome. Last evaluated: 2021-04-14. Review status: criteria provided, single submitter. Criteria: Sema4 Curation Guidelines. Collection method: curation. Allele origin: germline.

Ambry Genetics
Classification: Likely benign for Hereditary cancer-predisposing syndrome. Last evaluated: 2018-04-26. Review status: criteria provided, single submitter. Criteria: Ambry Variant Classification Scheme 2023. Collection method: clinical testing. Allele origin: germline.